The following is an entry in ClinVar:

ClinVar aggregate classification (germline): Uncertain significance (1 of 4 stars; one submission).

Conditions:
Bethlem myopathy 1A. Also called: MYOPATHY, BENIGN CONGENITAL, WITH CONTRACTURES; Bethlem myopathy 1; Bethlem Muscular Dystrophy. Identifiers: Orphanet 610, MedGen CN029274, MONDO:0024530, OMIM 158810.

gnomAD v4.1: 2 of 1,612,924 alleles (0.00012%); highest among the groups gnomAD compares: Non-Finnish European, 0.00017%; no homozygotes.

Submission:

Labcorp Genetics (formerly Invitae), Labcorp
Classification: Uncertain significance for Bethlem myopathy 1A. Last evaluated: 2024-06-06. Review status: criteria provided, single submitter. Criteria: Invitae Variant Classification Sherloc (09022015). Collection method: clinical testing. Allele origin: germline.
Comment: This sequence change affects codon 285 of the COL6A2 mRNA. It is a 'silent' change, meaning that it does not change the encoded amino acid sequence of the COL6A2 protein. This variant also falls at the last nucleotide of exon 6, which is part of the consensus splice site for this exon. This variant is present in population databases (no rsID available, gnomAD no frequency). This variant has not been reported in the literature in individuals affected with COL6A2-related conditions. Variants that disrupt the consensus splice site are a relatively common cause of aberrant splicing (PMID: 17576681, 9536098). Algorithms developed to predict the effect of sequence changes on RNA splicing suggest that this variant is not likely to affect RNA splicing. In summary, the available evidence is currently insufficient to determine the role of this variant in disease. Therefore, it has been classified as a Variant of Uncertain Significance.

Literature cited by the submitters: PubMed 17576681; PubMed 9536098.

NM_001849.4(COL6A2):c.855G>A (p.Gln285=)

Gene: COL6A2 (collagen type VI alpha 2 chain; plus strand). Cytogenetic location: 21q22.3.
Variant type: single nucleotide variant.
Coding change: c.855G>A on transcript NM_001849.4 (MANE Select); coding-DNA position 855, G replaced by A.
Protein change: p.Gln285=; no amino-acid change (glutamine 285 retained).
Molecular consequence: synonymous variant.
Genome position (GRCh38, 1-based): chr21:46,115,925, G>A. VCF-style: chr21-46115925-G-A. GRCh37 (hg19) VCF-style: chr21-47535839-G-A.
Other names: c.855G>A, p.Gln285= (NM_058174.3, NM_058175.3).
Identifiers: ClinVar variation 3683221 (VCV003683221.2).